The following is an entry in ClinVar:

ClinVar aggregate classification (germline): Likely pathogenic (1 of 4 stars; one submission).

Conditions:
Holoprosencephaly 3 (HPE3). Identifiers: Orphanet 2162, MedGen C1840529, MONDO:0007733, OMIM 142945.

gnomAD v4.1: 1 of 1,613,546 alleles (0.000062%); no homozygotes.

Submission:

Laboratory of Molecular Genetics, CHU Rennes
Classification: Likely pathogenic for Holoprosencephaly 3. Last evaluated: 2025-02-27. Review status: criteria provided, single submitter. Criteria: ACMG Guidelines, 2015. Collection method: clinical testing. Allele origin: de novo. Inheritance: Autosomal dominant inheritance. Affected: yes.
Comment: The NM_000193.4:c.503C>G, is a missense variant in SHH in the hedgehog signalling domain (PM1), absent from controls (PM2), predicted pathogenic by prediction tools (PP3) and occurred de novo (PS2). In summary, this variant meets criteria to be classified as likely pathogenic for holoprosencephaly based on the ACMG criteria applied.

NM_000193.4(SHH):c.503C>G (p.Ala168Gly)

Gene: SHH (sonic hedgehog signaling molecule; minus strand). Cytogenetic location: 7q36.3.
Variant type: single nucleotide variant.
Coding change: c.503C>G on transcript NM_000193.4 (MANE Select); coding-DNA position 503, C replaced by G.
Protein change: p.Ala168Gly; replaces alanine 168 with glycine.
Molecular consequence: missense variant. On other transcripts: non-coding transcript variant (2).
Genome position (GRCh38, 1-based): chr7:155,806,355, G>C on the plus strand (C>G on the coding strand, the complement: SHH is on the minus strand). VCF-style: chr7-155806355-G-C. GRCh37 (hg19) VCF-style: chr7-155599049-G-C.
Other names: c.242C>G, p.Ala81Gly (NM_001310462.2); short protein forms A168G, A81G.
Identifiers: ClinVar variation 3775158 (VCV003775158.1).